The following is an entry in ClinVar:

NM_015570.4(AUTS2):c.2843T>C (p.Val948Ala)

Gene: AUTS2 (activator of transcription and developmental regulator AUTS2; plus strand). Cytogenetic location: 7q11.22.
Variant type: single nucleotide variant.
Coding change: c.2843T>C on transcript NM_015570.4 (MANE Select); coding-DNA position 2843, T replaced by C.
Protein change: p.Val948Ala; replaces valine 948 with alanine.
Molecular consequence: missense variant.
Genome position (GRCh38, 1-based): chr7:70,790,059, T>C. VCF-style: chr7-70790059-T-C. GRCh37 (hg19) VCF-style: chr7-70255045-T-C.
Other names: c.2771T>C, p.Val924Ala (NM_001127231.3); short protein forms V924A, V948A.
Identifiers: ClinVar variation 2182614 (VCV002182614.4), dbSNP rs2484980937, ClinGen allele CA367664941.
Genomic context (GRCh38, chr7:70,790,059, plus strand): 5'-CCGCGGGCGAAGAGGCCAAGCAGCTGGCCCGGGTGCCGTCTCCCTACGTGCGGACCCCGG[T>C]GGTGGAGAGTGCCAGGCCCAACAGCACCTCGAGCCGGGAGGCCGAGCCGCGCAAGGGTGA-3'
Protein context (NP_056385.1, residues 938-958): RVPSPYVRTP[Val948Ala]VESARPNSTS

ClinVar aggregate classification (germline): Uncertain significance (1 of 4 stars; one submission).

Allele frequency attached by ClinVar (database versions not stated): gnomAD exomes below 0.00001.
gnomAD v4.1: 2 of 1,576,492 alleles (0.00013%); highest among the groups gnomAD compares: Non-Finnish European, 0.00017%; no homozygotes.

Submission:

Labcorp Genetics (formerly Invitae), Labcorp
Classification: Uncertain significance. Last evaluated: 2024-01-22. Review status: criteria provided, single submitter. Criteria: Invitae Variant Classification Sherloc (09022015). Collection method: clinical testing. Allele origin: germline.
Comment: This sequence change replaces valine, which is neutral and non-polar, with alanine, which is neutral and non-polar, at codon 948 of the AUTS2 protein (p.Val948Ala). This variant is not present in population databases (gnomAD no frequency). This variant has not been reported in the literature in individuals affected with AUTS2-related conditions. ClinVar contains an entry for this variant (Variation ID: 2182614). Advanced modeling of protein sequence and biophysical properties (such as structural, functional, and spatial information, amino acid conservation, physicochemical variation, residue mobility, and thermodynamic stability) performed at Invitae indicates that this missense variant is not expected to disrupt AUTS2 protein function with a negative predictive value of 80%. In summary, the available evidence is currently insufficient to determine the role of this variant in disease. Therefore, it has been classified as a Variant of Uncertain Significance.